The following is an entry in ClinVar:

ClinVar aggregate classification (germline): Uncertain significance (1 of 4 stars; one submission).

Allele frequency attached by ClinVar (database versions not stated): gnomAD exomes 0.00001 and 0.00004; ExAC 0.00002; TOPMed 0.00002; gnomAD 0.00003 and 0.00004; ESP Exome Variant Server 0.00008.

Submission:

Labcorp Genetics (formerly Invitae), Labcorp
Classification: Uncertain significance. Last evaluated: 2022-03-18. Review status: criteria provided, single submitter. Criteria: Invitae Variant Classification Sherloc (09022015). Collection method: clinical testing. Allele origin: germline.
Comment: This sequence change replaces leucine, which is neutral and non-polar, with valine, which is neutral and non-polar, at codon 1181 of the PCARE protein (p.Leu1181Val). This variant is present in population databases (rs370727666, gnomAD 0.01%). This variant has not been reported in the literature in individuals affected with PCARE-related conditions. ClinVar contains an entry for this variant (Variation ID: 1041194). Algorithms developed to predict the effect of missense changes on protein structure and function output the following: SIFT: "Tolerated"; PolyPhen-2: "Benign"; Align-GVGD: "Class C0". The valine amino acid residue is found in multiple mammalian species, which suggests that this missense change does not adversely affect protein function. Algorithms developed to predict the effect of sequence changes on RNA splicing suggest that this variant may create or strengthen a splice site. In summary, the available evidence is currently insufficient to determine the role of this variant in disease. Therefore, it has been classified as a Variant of Uncertain Significance.

NM_001029883.3(PCARE):c.3541C>G (p.Leu1181Val)

Gene: PCARE (photoreceptor cilium actin regulator; minus strand). Cytogenetic location: 2p23.2.
Variant type: single nucleotide variant.
Coding change: c.3541C>G on transcript NM_001029883.3 (MANE Select); coding-DNA position 3541, C replaced by G.
Protein change: p.Leu1181Val; replaces leucine 1181 with valine.
Molecular consequence: missense variant.
Genome position (GRCh38, 1-based): chr2:29,070,721, G>C on the plus strand (C>G on the coding strand, the complement: PCARE is on the minus strand). VCF-style: chr2-29070721-G-C. GRCh37 (hg19) VCF-style: chr2-29293587-G-C.
Other names: short protein forms L1181V.
Identifiers: ClinVar variation 1041194 (VCV001041194.4), dbSNP rs370727666, ClinGen allele CA1591899.